The following is an entry in ClinVar:

ClinVar aggregate classification (germline): Uncertain significance (0 of 4 stars; one submission).

Conditions:
GLI3-related disorder. Also called: GLI3-related condition; GLI3-related disorders. Identifiers: MedGen CN239292.

gnomAD v4.1: 1 of 1,613,788 alleles (0.000062%); highest among the groups gnomAD compares: African/African-American, 0.0013%; no homozygotes.

Submission:

PreventionGenetics, part of Exact Sciences
Classification: Uncertain significance for GLI3-related condition. Last evaluated: 2024-07-30. Review status: no assertion criteria provided. Collection method: clinical testing. Allele origin: germline.
Comment: The GLI3 c.1438A>G variant is predicted to result in the amino acid substitution p.Thr480Ala. To our knowledge, this variant has not been reported in the literature or in a large population database, indicating this variant is rare. At this time, the clinical significance of this variant is uncertain due to the absence of conclusive functional and genetic evidence.

NM_000168.6(GLI3):c.1438A>G (p.Thr480Ala)

Gene: GLI3 (GLI family zinc finger 3; minus strand). Cytogenetic location: 7p14.1.
Variant type: single nucleotide variant.
Coding change: c.1438A>G on transcript NM_000168.6 (MANE Select); coding-DNA position 1438, A replaced by G.
Protein change: p.Thr480Ala; replaces threonine 480 with alanine.
Molecular consequence: missense variant.
Genome position (GRCh38, 1-based): chr7:42,023,527, T>C on the plus strand (A>G on the coding strand, the complement: GLI3 is on the minus strand). VCF-style: chr7-42023527-T-C. GRCh37 (hg19) VCF-style: chr7-42063126-T-C.
Other names: short protein forms T480A.
Identifiers: ClinVar variation 3345322 (VCV003345322.1).